The following is an entry in ClinVar:

NM_000540.3(RYR1):c.5362G>C (p.Ala1788Pro)

Gene: RYR1 (ryanodine receptor 1; plus strand). Cytogenetic location: 19q13.2.
Variant type: single nucleotide variant.
Coding change: c.5362G>C on transcript NM_000540.3 (MANE Select); coding-DNA position 5362, G replaced by C.
Protein change: p.Ala1788Pro; replaces alanine 1788 with proline.
Molecular consequence: missense variant.
Genome position (GRCh38, 1-based): chr19:38,486,017, G>C. VCF-style: chr19-38486017-G-C. GRCh37 (hg19) VCF-style: chr19-38976657-G-C.
Other names: c.5362G>C, p.Ala1788Pro (NM_001042723.2); short protein forms A1788P.
Identifiers: ClinVar variation 5008154 (VCV005008154.1).

ClinVar aggregate classification (germline): Uncertain significance (1 of 4 stars; one submission).

Submission:

GeneDx
Classification: Uncertain significance. Last evaluated: 2026-02-27. Review status: criteria provided, single submitter. Criteria: GeneDx Variant Classification Process June 2021. Collection method: clinical testing. Allele origin: germline.
Comment: Not observed at significant frequency in large population cohorts (gnomAD); In silico analysis suggests that this missense variant does not alter protein structure/function; Has not been previously published as pathogenic or benign to our knowledge